The following is an entry in ClinVar:

ClinVar aggregate classification (germline): Uncertain significance (1 of 4 stars; one submission).

Conditions:
TTC21B-related disorder. Also called: TTC21B-related disorders; TTC21B-related condition.

gnomAD v4.1: 4 of 1,613,540 alleles (0.00025%); highest among the groups gnomAD compares: Non-Finnish European, 0.00034%; no homozygotes.

Submission:

PreventionGenetics, part of Exact Sciences
Classification: Uncertain significance for TTC21B-related condition. Last evaluated: 2026-04-28. Review status: criteria provided, single submitter. Criteria: ACMG Guidelines, 2015. Collection method: clinical testing. Allele origin: germline.
Comment: The TTC21B c.539C>T variant is predicted to result in the amino acid substitution p.Ala180Val. To our knowledge, this variant has not been reported in the literature. This variant is reported in 0.0018% of alleles in individuals of European (Non-Finnish) descent in gnomAD. At this time, the clinical significance of this variant is uncertain due to the absence of conclusive functional and genetic evidence.

NM_024753.5(TTC21B):c.539C>T (p.Ala180Val)

Genes: TTC21B (tetratricopeptide repeat domain 21B; minus strand), TTC21B-AS1 (TTC21B antisense RNA 1; plus strand). Cytogenetic location: 2q24.3.
Variant type: single nucleotide variant.
Coding change: c.539C>T on transcript NM_024753.5 (MANE Select); coding-DNA position 539, C replaced by T.
Protein change: p.Ala180Val; replaces alanine 180 with valine.
Molecular consequence: missense variant.
Genome position (GRCh38, 1-based): chr2:165,943,232, G>A on the plus strand (C>T on the coding strand, the complement: TTC21B is on the minus strand). VCF-style: chr2-165943232-G-A. GRCh37 (hg19) VCF-style: chr2-166799742-G-A.
Other names: short protein forms A180V.
Identifiers: ClinVar variation 4988432 (VCV004988432.1).